The following is an entry in ClinVar:

NM_000368.5(TSC1):c.2209A>G (p.Lys737Glu)

Gene: TSC1 (TSC complex subunit 1; minus strand). Cytogenetic location: 9q34.13.
Variant type: single nucleotide variant.
Coding change: c.2209A>G on transcript NM_000368.5 (MANE Select); coding-DNA position 2209, A replaced by G.
Protein change: p.Lys737Glu; replaces lysine 737 with glutamic acid.
Molecular consequence: missense variant.
Genome position (GRCh38, 1-based): chr9:132,902,787, T>C on the plus strand (A>G on the coding strand, the complement: TSC1 is on the minus strand). VCF-style: chr9-132902787-T-C. GRCh37 (hg19) VCF-style: chr9-135778174-T-C.
Other names: c.2206A>G, p.Lys736Glu (NM_001162426.2); c.2056A>G, p.Lys686Glu (NM_001162427.2); c.1846A>G, p.Lys616Glu (NM_001362177.2); short protein forms K686E, K616E, K736E, K737E.
Identifiers: ClinVar variation 663919 (VCV000663919.9), dbSNP rs1588302128, ClinGen allele CA375360164.

ClinVar aggregate classification (germline): Uncertain significance. Review status: criteria provided, multiple submitters, no conflicts (2 of 4 stars). 2 submissions from 2 submitters: Uncertain significance (2). Last evaluated 2024-03-28.

Conditions:
Isolated focal cortical dysplasia type II (FCORD2). Also called: CORTICAL DYSPLASIA OF TAYLOR; Focal cortical dysplasia type II. Identifiers: Orphanet 268994, MedGen C1846385, MONDO:0011818, OMIM 607341, HP:0032051.
Tuberous sclerosis 1 (TSC1). Identifiers: Orphanet 805, MedGen C1854465, MONDO:0008612, OMIM 191100.
Lymphangiomyomatosis (LAM). Also called: Lymphangioleiomyomatosis; Lymphangioleiomyomatosis, somatic. Identifiers: Orphanet 538, MedGen C0751674, MONDO:0011705, OMIM 606690.

Submissions (2):

Fulgent Genetics
Classification: Uncertain significance for Tuberous sclerosis 1; Lymphangiomyomatosis; Isolated focal cortical dysplasia type II. Last evaluated: 2024-03-28. Review status: criteria provided, single submitter. Criteria: ACMG Guidelines, 2015. Collection method: clinical testing. Allele origin: germline.

Labcorp Genetics (formerly Invitae), Labcorp
Classification: Uncertain significance for Tuberous sclerosis 1. Last evaluated: 2018-09-27. Review status: criteria provided, single submitter. Criteria: Invitae Variant Classification Sherloc (09022015). Collection method: clinical testing. Allele origin: germline.
Comment: This variant has not been reported in the literature in individuals with TSC1-related disease. This variant is not present in population databases (ExAC no frequency). This sequence change replaces lysine with glutamic acid at codon 737 of the TSC1 protein (p.Lys737Glu). The lysine residue is highly conserved and there is a small physicochemical difference between lysine and glutamic acid. Algorithms developed to predict the effect of missense changes on protein structure and function are either unavailable or do not agree on the potential impact of this missense change (SIFT: "Deleterious"; PolyPhen-2: "Possibly Damaging"; Align-GVGD: "Class C0"). In summary, the available evidence is currently insufficient to determine the role of this variant in disease. Therefore, it has been classified as a Variant of Uncertain Significance.